The following is an entry in ClinVar:

NM_024301.5(FKRP):c.1125C>A (p.Cys375Ter)

Gene: FKRP (fukutin related protein; plus strand). Cytogenetic location: 19q13.32.
Variant type: single nucleotide variant.
Coding change: c.1125C>A on transcript NM_024301.5 (MANE Select); coding-DNA position 1125, C replaced by A.
Protein change: p.Cys375Ter; replaces cysteine 375 with a stop codon.
Molecular consequence: nonsense.
Genome position (GRCh38, 1-based): chr19:46,756,575, C>A. VCF-style: chr19-46756575-C-A. GRCh37 (hg19) VCF-style: chr19-47259832-C-A.
Other names: c.1125C>A, p.Cys375Ter (NM_001039885.3); short protein forms C375*.
Identifiers: ClinVar variation 2815755 (VCV002815755.3), dbSNP rs2513996914, ClinGen allele CA406496703.
Genomic context (GRCh38, chr19:46,756,575, plus strand): 5'-CATCATCCCATGGGACTACGACGTGGACCTGGGCATCTACTTGGAGGACGTGGGCAACTG[C>A]GAGCAGCTGCGGGGGGCAGAGGCCGGCTCGGTGGTGGATGAGCGCGGCTTCGTATGGGAG-3'

ClinVar aggregate classification (germline): Pathogenic (1 of 4 stars; one submission).

Conditions:
Walker-Warburg congenital muscular dystrophy. Also called: Muscular dystrophy-dystroglycanopathy, type A; Walker-Warburg syndrome. Identifiers: Orphanet 899, MedGen C0265221, MONDO:0000171.

Submission:

Labcorp Genetics (formerly Invitae), Labcorp
Classification: Pathogenic for Walker-Warburg congenital muscular dystrophy. Last evaluated: 2022-11-23. Review status: criteria provided, single submitter. Criteria: Invitae Variant Classification Sherloc (09022015). Collection method: clinical testing. Allele origin: germline.
Comment: For these reasons, this variant has been classified as Pathogenic. This variant disrupts a region of the FKRP protein in which other variant(s) (p.Ile478Thr) have been determined to be pathogenic (PMID: 16476814, 18639457, 19299310). This suggests that this is a clinically significant region of the protein, and that variants that disrupt it are likely to be disease-causing. This variant has not been reported in the literature in individuals affected with FKRP-related conditions. This variant is not present in population databases (gnomAD no frequency). This sequence change creates a premature translational stop signal (p.Cys375*) in the FKRP gene. While this is not anticipated to result in nonsense mediated decay, it is expected to disrupt the last 121 amino acid(s) of the FKRP protein.

Literature cited by the submitters: PubMed 16476814; PubMed 18639457; PubMed 19299310.